The following is an entry in ClinVar:

NM_014915.3(ANKRD26):c.2615G>T (p.Arg872Ile)

Gene: ANKRD26 (ankyrin repeat domain containing 26; minus strand). Cytogenetic location: 10p12.1.
Variant type: single nucleotide variant.
Coding change: c.2615G>T on transcript NM_014915.3 (MANE Select); coding-DNA position 2615, G replaced by T.
Protein change: p.Arg872Ile; replaces arginine 872 with isoleucine.
Molecular consequence: missense variant.
Genome position (GRCh38, 1-based): chr10:27,037,268, C>A on the plus strand (G>T on the coding strand, the complement: ANKRD26 is on the minus strand). VCF-style: chr10-27037268-C-A. GRCh37 (hg19) VCF-style: chr10-27326197-C-A.
Other names: c.2612G>T, p.Arg871Ile (NM_001256053.2); short protein forms R872I, R871I.
Identifiers: ClinVar variation 3396962 (VCV003396962.1).

ClinVar aggregate classification (germline): Uncertain significance (1 of 4 stars; one submission).

Conditions:
Inborn genetic diseases. Identifiers: MedGen C0950123, MeSH D030342.

gnomAD v4.1: 3 of 1,613,880 alleles (0.00019%); highest among the groups gnomAD compares: South Asian, 0.0033%; no homozygotes.

Submission:

Ambry Genetics
Classification: Uncertain significance for Inborn genetic diseases. Last evaluated: 2024-11-30. Review status: criteria provided, single submitter. Criteria: Ambry Variant Classification Scheme 2023. Collection method: clinical testing. Allele origin: germline.
Comment: The p.R872I variant (also known as c.2615G>T), located in coding exon 23 of the ANKRD26 gene, results from a G to T substitution at nucleotide position 2615. The arginine at codon 872 is replaced by isoleucine, an amino acid with similar properties. This amino acid position is conserved. In addition, this alteration is predicted to be tolerated by in silico analysis. Based on the available evidence, the clinical significance of this variant remains unclear.